The following is an entry in ClinVar:

ClinVar aggregate classification (germline): Conflicting classifications of pathogenicity. Review status: criteria provided, conflicting classifications (1 of 4 stars). 4 submissions from 4 submitters: Uncertain significance (3); Likely benign (1). Last evaluated 2026-08-13.

Conditions:
ADGRV1-related disorder. Also called: ADGRV1-related condition; ADGRV1-related disorders.
Inborn genetic diseases. Identifiers: MedGen C0950123, MeSH D030342.

Allele frequency attached by ClinVar (database versions not stated): ExAC 0.00001; gnomAD exomes 0.00002; TOPMed 0.00004.
gnomAD v4.1: 24 of 1,610,544 alleles (0.0015%); highest among the groups gnomAD compares: Admixed American, 0.0017%; no homozygotes.

Submissions (4):

PreventionGenetics, part of Exact Sciences
Classification: Uncertain significance for ADGRV1-related condition. Last evaluated: 2026-08-13. Review status: criteria provided, single submitter. Criteria: ACMG Guidelines, 2015. Collection method: clinical testing. Allele origin: germline.
Comment: The ADGRV1 c.14069T>G variant is predicted to result in the amino acid substitution p.Phe4690Cys. To our knowledge, this variant has not been reported in the literature. This variant is reported in 0.0039% of alleles in individuals of European (Non-Finnish) descent in gnomAD. At this time, the clinical significance of this variant is uncertain due to the absence of conclusive functional and genetic evidence.

Labcorp Genetics (formerly Invitae), Labcorp
Classification: Likely benign. Last evaluated: 2026-01-27. Review status: criteria provided, single submitter. Criteria: Invitae Variant Classification Sherloc (09022015). Collection method: clinical testing. Allele origin: germline.

Blueprint Genetics
Classification: Uncertain significance. Last evaluated: 2023-08-08. Review status: criteria provided, single submitter. Criteria: ACMG Guidelines, 2015. Collection method: clinical testing. Allele origin: germline.

Ambry Genetics
Classification: Uncertain significance for Inborn genetic diseases. Last evaluated: 2022-11-18. Review status: criteria provided, single submitter. Criteria: Ambry Variant Classification Scheme 2023. Collection method: clinical testing. Allele origin: germline.

NM_032119.4(ADGRV1):c.14069T>G (p.Phe4690Cys)

Gene: ADGRV1 (adhesion G protein-coupled receptor V1; plus strand). Cytogenetic location: 5q14.3.
Variant type: single nucleotide variant.
Coding change: c.14069T>G on transcript NM_032119.4 (MANE Select); coding-DNA position 14069, T replaced by G.
Protein change: p.Phe4690Cys; replaces phenylalanine 4690 with cysteine.
Molecular consequence: missense variant. On other transcripts: non-coding transcript variant (1).
Genome position (GRCh38, 1-based): chr5:90,790,898, T>G. VCF-style: chr5-90790898-T-G. GRCh37 (hg19) VCF-style: chr5-90086715-T-G.
Other names: short protein forms F4690C.
Identifiers: ClinVar variation 838426 (VCV000838426.10), dbSNP rs760733336, ClinGen allele CA3341665.
Genomic context (GRCh38, chr5:90,790,898, plus strand): 5'-ATATAACTTTGTTGAGTTTTTTTCTTTTATTTTAGGTTTACTGGGAATTAAGTAGTGAGT[T>G]TGACATTACTGAAGACTTTCTTTCCACCAGTGGATTTTTCACCATTGCTGATGGAGAGAG-3'
Protein context (NP_115495.3, residues 4680-4700): IMVYWELSSE[Phe4690Cys]DITEDFLSTS